The following is an entry in ClinVar:

NM_001367868.2(PLIN4):c.1648G>A (p.Val550Ile)

Gene: PLIN4 (perilipin 4; minus strand). Cytogenetic location: 19p13.3.
Variant type: single nucleotide variant.
Coding change: c.1648G>A on transcript NM_001367868.2 (MANE Select); coding-DNA position 1648, G replaced by A.
Protein change: p.Val550Ile; replaces valine 550 with isoleucine.
Molecular consequence: missense variant.
Genome position (GRCh38, 1-based): chr19:4,512,312, C>T on the plus strand (G>A on the coding strand, the complement: PLIN4 is on the minus strand). VCF-style: chr19-4512312-C-T. GRCh37 (hg19) VCF-style: chr19-4512324-C-T.
Other names: c.1651G>A, p.Val551Ile (NM_001393888.1, NM_001393889.1); c.1648G>A, p.Val550Ile (NM_001393890.1, NM_001393891.1); short protein forms V550I, V551I.
Identifiers: ClinVar variation 3388103 (VCV003388103.14).

ClinVar aggregate classification (germline): Likely benign (1 of 4 stars; one submission).

gnomAD v4.1: 796 of 1,609,796 alleles (0.049%); highest among the groups gnomAD compares: African/African-American, 0.59%; 10 homozygotes.

Submission:

CeGaT Center for Human Genetics Tuebingen
Classification: Likely benign. Last evaluated: 2024-10-01. Review status: criteria provided, single submitter. Criteria: CeGaT Center For Human Genetics Tuebingen Variant Classification Criteria Version 2. Collection method: clinical testing. Allele origin: germline. Affected: yes. Observed: 1 variant allele.
Comment: PLIN4: BP4, BS1